The following is an entry in ClinVar:

ClinVar aggregate classification (germline): Benign. Review status: criteria provided, single submitter (1 of 4 stars). 2 submissions from 2 submitters: Benign (1). 1 of the submissions does not count toward it. Last evaluated 2026-01-29.

Conditions:
ACACA-related disorder. Also called: ACACA-related condition.

Allele frequency attached by ClinVar (database versions not stated): gnomAD exomes 0.00005; gnomAD 0.00007; TOPMed 0.00009; ExAC 0.00025; 1000 Genomes Project 30x 0.00062; 1000 Genomes Project 0.00080.
gnomAD v4.1: 97 of 1,614,096 alleles (0.006%); highest among the groups gnomAD compares: East Asian, 0.19%; no homozygotes.

Submissions (2):

Labcorp Genetics (formerly Invitae), Labcorp
Classification: Benign. Last evaluated: 2026-01-29. Review status: criteria provided, single submitter. Criteria: Invitae Variant Classification Sherloc (09022015). Collection method: clinical testing. Allele origin: germline.

PreventionGenetics, part of Exact Sciences
Classification: Likely benign for ACACA-related condition. Last evaluated: 2019-09-30. Review status: no assertion criteria provided. Collection method: clinical testing. Allele origin: germline. Not counted in ClinVar's aggregate classification.
Comment: This variant is classified as likely benign based on ACMG/AMP sequence variant interpretation guidelines (Richards et al. 2015 PMID: 25741868, with internal and published modifications).

NM_198834.3(ACACA):c.4497C>T (p.Asn1499=)

Gene: ACACA (acetyl-CoA carboxylase alpha; minus strand). Cytogenetic location: 17q12.
Variant type: single nucleotide variant.
Coding change: c.4497C>T on transcript NM_198834.3 (MANE Select); coding-DNA position 4497, C replaced by T.
Protein change: p.Asn1499=; no amino-acid change (asparagine 1499 retained).
Molecular consequence: synonymous variant.
Genome position (GRCh38, 1-based): chr17:37,191,195, G>A on the plus strand (C>T on the coding strand, the complement: ACACA is on the minus strand). VCF-style: chr17-37191195-G-A. GRCh37 (hg19) VCF-style: chr17-35548136-G-A.
Other names: c.4497C>T (NM_198834.2); c.4386C>T, p.Asn1462= (NM_198836.3, NM_198839.3); c.4212C>T, p.Asn1404= (NM_198837.2); c.4152C>T, p.Asn1384= (NM_198838.2).
Identifiers: ClinVar variation 2957828 (VCV002957828.5), dbSNP rs192767080, ClinGen allele CA8515048.
Genomic context (GRCh38, chr17:37,191,195, plus strand): 5'-GATAACCGTGGGCACAAAGTTGAGGAAGATGTGGTTACAGTCAGTGCGGACATTTGTATT[G>A]TTAAAAGCAACTTCCAACTCATCCATGGCTTCCAGGAGTAGCCGCTCCCCTTCATTTTGC-3'
Protein context (NP_942131.1, residues 1489-1509): EAMDELEVAF[Asn1499=]NTNVRTDCNH